The following is an entry in ClinVar:

NM_001278716.2(FBXL4):c.28G>C (p.Val10Leu)

Gene: FBXL4 (F-box and leucine rich repeat protein 4; minus strand). Cytogenetic location: 6q16.2.
Variant type: single nucleotide variant.
Coding change: c.28G>C on transcript NM_001278716.2 (MANE Select); coding-DNA position 28, G replaced by C.
Protein change: p.Val10Leu; replaces valine 10 with leucine.
Molecular consequence: missense variant. On other transcripts: non-coding transcript variant (2).
Genome position (GRCh38, 1-based): chr6:98,926,961, C>G on the plus strand (G>C on the coding strand, the complement: FBXL4 is on the minus strand). VCF-style: chr6-98926961-C-G. GRCh37 (hg19) VCF-style: chr6-99374837-C-G.
Other names: c.28G>C, p.Val10Leu (NM_012160.5); short protein forms V10L.
Identifiers: ClinVar variation 1962387 (VCV001962387.2), dbSNP rs1345256511, ClinGen allele CA16021251.

ClinVar aggregate classification (germline): Uncertain significance (1 of 4 stars; one submission).

Allele frequency attached by ClinVar (database versions not stated): TOPMed below 0.00001.
gnomAD v4.1: 5 of 1,613,998 alleles (0.00031%); highest among the groups gnomAD compares: Non-Finnish European, 0.00042%; no homozygotes.

Submission:

Labcorp Genetics (formerly Invitae), Labcorp
Classification: Uncertain significance. Last evaluated: 2022-01-17. Review status: criteria provided, single submitter. Criteria: Invitae Variant Classification Sherloc (09022015). Collection method: clinical testing. Allele origin: germline.
Comment: This sequence change replaces valine, which is neutral and non-polar, with leucine, which is neutral and non-polar, at codon 10 of the FBXL4 protein (p.Val10Leu). This variant is present in population databases (no rsID available, gnomAD 0.0009%). This variant has not been reported in the literature in individuals affected with FBXL4-related conditions. Advanced modeling of protein sequence and biophysical properties (such as structural, functional, and spatial information, amino acid conservation, physicochemical variation, residue mobility, and thermodynamic stability) performed at Invitae indicates that this missense variant is not expected to disrupt FBXL4 protein function. In summary, the available evidence is currently insufficient to determine the role of this variant in disease. Therefore, it has been classified as a Variant of Uncertain Significance.